The following is an entry in ClinVar:

ClinVar aggregate classification (germline): Likely pathogenic. Review status: criteria provided, multiple submitters, no conflicts (2 of 4 stars). 2 submissions from 2 submitters: Likely pathogenic (2). Last evaluated 2024-02-08.

Conditions:
Sjögren-Larsson syndrome (SLS). Also called: FALDH DEFICIENCY; FATTY ALCOHOL:NAD+ OXIDOREDUCTASE DEFICIENCY; FATTY ALDEHYDE DEHYDROGENASE DEFICIENCY; ICHTHYOSIS, SPASTIC NEUROLOGIC DISORDER, AND OLIGOPHRENIA. Identifiers: Orphanet 816, MedGen C0037231, MONDO:0010031, OMIM 270200.

gnomAD v4.1: 2 of 1,549,282 alleles (0.00013%); highest among the groups gnomAD compares: Non-Finnish European, 0.00018%; no homozygotes.

Submissions (2):

Labcorp Genetics (formerly Invitae), Labcorp
Classification: Likely pathogenic. Last evaluated: 2024-02-08. Review status: criteria provided, single submitter. Criteria: Invitae Variant Classification Sherloc (09022015). Collection method: clinical testing. Allele origin: germline.
Comment: This sequence change falls in intron 4 of the ALDH3A2 gene. It does not directly change the encoded amino acid sequence of the ALDH3A2 protein. This variant is present in population databases (no rsID available, gnomAD 0.007%). This variant has been observed in individual(s) with Sjögren–Larsson syndrome (PMID: 10577908). ClinVar contains an entry for this variant (Variation ID: 2582586). Studies have shown that this variant is associated with altered splicing resulting in multiple RNA products (PMID: 10577908). In summary, the currently available evidence indicates that the variant is pathogenic, but additional data are needed to prove that conclusively. Therefore, this variant has been classified as Likely Pathogenic.

Baylor Genetics
Classification: Likely pathogenic for Sjögren-Larsson syndrome. Last evaluated: 2023-07-17. Review status: criteria provided, single submitter. Criteria: ACMG Guidelines, 2015. Collection method: clinical testing. Allele origin: unknown.

Literature cited by the submitters: PubMed 10577908 (cited by Labcorp Genetics (formerly Invitae), Labcorp).

NM_000382.3(ALDH3A2):c.681-14T>A

Gene: ALDH3A2 (aldehyde dehydrogenase 3 family member A2; plus strand). Cytogenetic location: 17p11.2.
Variant type: single nucleotide variant.
Coding change: c.681-14T>A on transcript NM_000382.3 (MANE Select); 14 bases into the intron before coding-DNA position 681, T replaced by A.
Molecular consequence: intron variant.
Genome position (GRCh38, 1-based): chr17:19,657,731, T>A. VCF-style: chr17-19657731-T-A. GRCh37 (hg19) VCF-style: chr17-19561044-T-A.
Other names: c.102-14T>A (NM_001369148.2); c.681-14T>A (NM_001369137.2, NM_001369138.2, NM_001369146.2 and 3 more transcripts).
Identifiers: ClinVar variation 2582586 (VCV002582586.4), dbSNP rs1400349287, ClinGen allele CA625105096.